The following is an entry in ClinVar:

ClinVar aggregate classification (germline): Uncertain significance (1 of 4 stars; one submission).

Conditions:
Inborn genetic diseases. Identifiers: MedGen C0950123, MeSH D030342.

Submission:

Ambry Genetics
Classification: Uncertain significance for Inborn genetic diseases. Last evaluated: 2025-04-18. Review status: criteria provided, single submitter. Criteria: Ambry Variant Classification Scheme 2023. Collection method: clinical testing. Allele origin: germline.
Comment: The p.A845T variant (also known as c.2533G>A), located in coding exon 1 of the SAMD9 gene, results from a G to A substitution at nucleotide position 2533. The alanine at codon 845 is replaced by threonine, an amino acid with similar properties. This amino acid position is conserved. In addition, this alteration is predicted to be tolerated by in silico analysis. Based on the available evidence, the clinical significance of this variant remains unclear.

NM_017654.4(SAMD9):c.2533G>A (p.Ala845Thr)

Gene: SAMD9 (sterile alpha motif domain containing 9; minus strand). Cytogenetic location: 7q21.2.
Variant type: single nucleotide variant.
Coding change: c.2533G>A on transcript NM_017654.4 (MANE Select); coding-DNA position 2533, G replaced by A.
Protein change: p.Ala845Thr; replaces alanine 845 with threonine.
Molecular consequence: missense variant.
Genome position (GRCh38, 1-based): chr7:93,103,565, C>T on the plus strand (G>A on the coding strand, the complement: SAMD9 is on the minus strand). VCF-style: chr7-93103565-C-T. GRCh37 (hg19) VCF-style: chr7-92732878-C-T.
Other names: c.2533G>A, p.Ala845Thr (NM_001193307.2); short protein forms A845T.
Identifiers: ClinVar variation 3949562 (VCV003949562.1).